The following is an entry in ClinVar:

ClinVar aggregate classification (germline): Uncertain significance (1 of 4 stars; one submission).

Submission:

Labcorp Genetics (formerly Invitae), Labcorp
Classification: Uncertain significance. Last evaluated: 2022-11-22. Review status: criteria provided, single submitter. Criteria: Invitae Variant Classification Sherloc (09022015). Collection method: clinical testing. Allele origin: germline.
Comment: In summary, the available evidence is currently insufficient to determine the role of this variant in disease. Therefore, it has been classified as a Variant of Uncertain Significance. Advanced modeling of protein sequence and biophysical properties (such as structural, functional, and spatial information, amino acid conservation, physicochemical variation, residue mobility, and thermodynamic stability) performed at Invitae indicates that this missense variant is not expected to disrupt WARS2 protein function. This variant has not been reported in the literature in individuals affected with WARS2-related conditions. This variant is not present in population databases (gnomAD no frequency). This sequence change replaces alanine, which is neutral and non-polar, with threonine, which is neutral and polar, at codon 281 of the WARS2 protein (p.Ala281Thr).

NM_015836.4(WARS2):c.841G>A (p.Ala281Thr)

Gene: WARS2 (tryptophanyl tRNA synthetase 2, mitochondrial; minus strand). Cytogenetic location: 1p12.
Variant type: single nucleotide variant.
Coding change: c.841G>A on transcript NM_015836.4 (MANE Select); coding-DNA position 841, G replaced by A.
Protein change: p.Ala281Thr; replaces alanine 281 with threonine.
Molecular consequence: missense variant. On other transcripts: 3 prime UTR variant (2).
Genome position (GRCh38, 1-based): chr1:119,033,153, C>T on the plus strand (G>A on the coding strand, the complement: WARS2 is on the minus strand). VCF-style: chr1-119033153-C-T. GRCh37 (hg19) VCF-style: chr1-119575776-C-T.
Other names: c.772G>A, p.Ala258Thr (NM_001378226.1, NM_001378227.1); c.670G>A, p.Ala224Thr (NM_001378228.1); c.583G>A, p.Ala195Thr (NM_001378229.1); c.559G>A, p.Ala187Thr (NM_001378230.1); c.*176G>A (NM_001378231.1); c.*207G>A (NM_201263.2); short protein forms A187T, A258T, A281T, A195T, A224T.
Identifiers: ClinVar variation 1994784 (VCV001994784.4), dbSNP rs952768523, ClinGen allele CA341436515.